The following is an entry in ClinVar:

NM_206933.4(USH2A):c.274T>G (p.Ser92Ala)

Gene: USH2A (usherin; minus strand). Cytogenetic location: 1q41.
Variant type: single nucleotide variant.
Coding change: c.274T>G on transcript NM_206933.4 (MANE Select); coding-DNA position 274, T replaced by G.
Protein change: p.Ser92Ala; replaces serine 92 with alanine.
Molecular consequence: missense variant.
Genome position (GRCh38, 1-based): chr1:216,422,063, A>C on the plus strand (T>G on the coding strand, the complement: USH2A is on the minus strand). VCF-style: chr1-216422063-A-C. GRCh37 (hg19) VCF-style: chr1-216595405-A-C.
Other names: c.274T>G, p.Ser92Ala (NM_007123.6); short protein forms S92A.
Identifiers: ClinVar variation 1300895 (VCV001300895.9), dbSNP rs192918169, ClinGen allele CA1396822.
Genomic context (GRCh38, chr1:216,422,063, plus strand): 5'-CTGGTGTGATGCAGCTACTGAGGCCTGCTGAGAAAAGGGCAGTGTAGGTAGGGTGTGAAG[A>C]TCTGTATGGGCAATCCTGAATACAAAACCGCTGGGTACAGAACTGAATACTTTCAGCAGC-3'
Protein context (NP_996816.3, residues 82-102): RFCIQDCPYR[Ser92Ala]SHPTYTALFS

ClinVar aggregate classification (germline): Uncertain significance. Review status: criteria provided, multiple submitters, no conflicts (2 of 4 stars). 6 submissions from 5 submitters: Uncertain significance (6). Last evaluated 2025-09-28.

Conditions:
Inborn genetic diseases. Identifiers: MedGen C0950123, MeSH D030342.
Retinitis pigmentosa 39 (RP39). Identifiers: Orphanet 791, MedGen C3151138, MONDO:0013436, OMIM 613809.
Usher syndrome type 2A. Also called: RETINAL DISEASE IN USHER SYNDROME TYPE IIA, MODIFIER OF; USHER SYNDROME, TYPE IIA. Identifiers: Orphanet 231178, Orphanet 886, MedGen C1848634, MONDO:0010169, OMIM 276901.

Allele frequency attached by ClinVar (database versions not stated): gnomAD exomes below 0.00001 and 0.00001; ExAC 0.00002; gnomAD 0.00002 and 0.00003; TOPMed 0.00005; 1000 Genomes Project 30x 0.00016; 1000 Genomes Project 0.00020.
gnomAD v4.1: 9 of 1,613,840 alleles (0.00056%); highest among the groups gnomAD compares: African/African-American, 0.0093%; no homozygotes.

Submissions (6):

Ambry Genetics
Classification: Uncertain significance for Inborn genetic diseases. Last evaluated: 2025-09-28. Review status: criteria provided, single submitter. Criteria: Ambry Variant Classification Scheme 2023. Collection method: clinical testing. Allele origin: germline.

Genome-Nilou Lab
Classification: Uncertain significance for Retinitis pigmentosa 39. Last evaluated: 2023-11-04. Review status: criteria provided, single submitter. Criteria: ACMG Guidelines, 2015. Collection method: clinical testing. Allele origin: germline. Affected: no.

Genome-Nilou Lab
Classification: Uncertain significance for Usher syndrome type 2A. Last evaluated: 2023-11-04. Review status: criteria provided, single submitter. Criteria: ACMG Guidelines, 2015. Collection method: clinical testing. Allele origin: germline. Affected: no.

Blueprint Genetics
Classification: Uncertain significance. Last evaluated: 2022-11-01. Review status: criteria provided, single submitter. Criteria: ACMG Guidelines, 2015. Collection method: clinical testing. Allele origin: germline.

Labcorp Genetics (formerly Invitae), Labcorp
Classification: Uncertain significance. Last evaluated: 2021-09-24. Review status: criteria provided, single submitter. Criteria: Invitae Variant Classification Sherloc (09022015). Collection method: clinical testing. Allele origin: germline.
Comment: This sequence change replaces serine with alanine at codon 92 of the USH2A protein (p.Ser92Ala). The serine residue is highly conserved and there is a moderate physicochemical difference between serine and alanine. This variant is present in population databases (rs192918169, ExAC 0.02%). This variant has not been reported in the literature in individuals with USH2A-related conditions. Algorithms developed to predict the effect of missense changes on protein structure and function are either unavailable or do not agree on the potential impact of this missense change (SIFT: "Deleterious"; PolyPhen-2: "Possibly Damaging"; Align-GVGD: "Class C0"). In summary, the available evidence is currently insufficient to determine the role of this variant in disease. Therefore, it has been classified as a Variant of Uncertain Significance.

GeneDx
Classification: Uncertain significance. Last evaluated: 2021-04-09. Review status: criteria provided, single submitter. Criteria: GeneDx Variant Classification Process June 2021. Collection method: clinical testing. Allele origin: germline. Affected: yes.
Comment: In silico analysis supports that this missense variant does not alter protein structure/function; Has not been previously published as pathogenic or benign to our knowledge